The following is an entry in ClinVar:

NM_020433.5(JPH2):c.1136T>C (p.Ile379Thr)

Gene: JPH2 (junctophilin 2; minus strand). Cytogenetic location: 20q13.12.
Variant type: single nucleotide variant.
Coding change: c.1136T>C on transcript NM_020433.5 (MANE Select); coding-DNA position 1136, T replaced by C.
Protein change: p.Ile379Thr; replaces isoleucine 379 with threonine.
Molecular consequence: missense variant.
Genome position (GRCh38, 1-based): chr20:44,159,651, A>G on the plus strand (T>C on the coding strand, the complement: JPH2 is on the minus strand). VCF-style: chr20-44159651-A-G. GRCh37 (hg19) VCF-style: chr20-42788291-A-G.
Other names: short protein forms I379T.
Identifiers: ClinVar variation 3531483 (VCV003531483.1).
Genomic context (GRCh38, chr20:44,159,651, plus strand): 5'-CCCTTCCCACCCCCACCGCTGTCCTACCTGGAGGCGGCAATCTCGGCCTTCTGGCGCGCG[A>G]TAGCAGCGGCGCGCTGGGCACCCTCCACACTGTGCTCCACTTTCTGGCGGACCTTGTTGC-3'
Protein context (NP_065166.2, residues 369-389): SVEGAQRAAA[Ile379Thr]ARQKAEIAAS

ClinVar aggregate classification (germline): Uncertain significance (1 of 4 stars; one submission).

Conditions:
Cardiovascular phenotype. Identifiers: MedGen CN230736.

gnomAD v4.1: 1 of 1,608,242 alleles (0.000062%); highest among the groups gnomAD compares: South Asian, 0.0011%; no homozygotes.

Submission:

Ambry Genetics
Classification: Uncertain significance for Cardiovascular phenotype. Last evaluated: 2024-09-22. Review status: criteria provided, single submitter. Criteria: Ambry Variant Classification Scheme 2023. Collection method: clinical testing. Allele origin: germline.
Comment: The p.I379T variant (also known as c.1136T>C), located in coding exon 2 of the JPH2 gene, results from a T to C substitution at nucleotide position 1136. The isoleucine at codon 379 is replaced by threonine, an amino acid with similar properties. This amino acid position is conserved. In addition, this alteration is predicted to be tolerated by in silico analysis. Based on the available evidence, the clinical significance of this variant remains unclear.